The following is an entry in ClinVar:

NM_002582.4(PARN):c.991A>G (p.Thr331Ala)

Gene: PARN (poly(A)-specific ribonuclease; minus strand). Cytogenetic location: 16p13.12.
Variant type: single nucleotide variant.
Coding change: c.991A>G on transcript NM_002582.4 (MANE Select); coding-DNA position 991, A replaced by G.
Protein change: p.Thr331Ala; replaces threonine 331 with alanine.
Molecular consequence: missense variant.
Genome position (GRCh38, 1-based): chr16:14,584,763, T>C on the plus strand (A>G on the coding strand, the complement: PARN is on the minus strand). VCF-style: chr16-14584763-T-C. GRCh37 (hg19) VCF-style: chr16-14678620-T-C.
Other names: c.808A>G, p.Thr270Ala (NM_001134477.3); c.991A>G (NM_002582.3); c.853A>G, p.Thr285Ala (NM_001242992.2); short protein forms T270A, T285A, T331A.
Identifiers: ClinVar variation 2065874 (VCV002065874.5), dbSNP rs772057743, ClinGen allele CA7912213.

ClinVar aggregate classification (germline): Uncertain significance. Review status: criteria provided, multiple submitters, no conflicts (2 of 4 stars). 2 submissions from 2 submitters: Uncertain significance (2). Last evaluated 2025-11-06.

Conditions:
Dyskeratosis congenita, autosomal recessive 6 (DKCB6). Identifiers: MedGen C4225356, MONDO:0014600, OMIM 616353.
Pulmonary fibrosis and/or bone marrow failure, Telomere-related, 4. Also called: PULMONARY FIBROSIS AND/OR BONE MARROW FAILURE SYNDROME, TELOMERE-RELATED, 4. Identifiers: Orphanet 2032, MedGen C4225347, MONDO:0014612, OMIM 616371.
Inborn genetic diseases. Identifiers: MedGen C0950123, MeSH D030342.

Allele frequency attached by ClinVar (database versions not stated): TOPMed 0.00005; gnomAD 0.00003; gnomAD exomes 0.00002; ExAC 0.00011.
gnomAD v4.1: 25 of 1,572,012 alleles (0.0016%); highest among the groups gnomAD compares: Admixed American, 0.051%; no homozygotes.

Submissions (2):

Labcorp Genetics (formerly Invitae), Labcorp
Classification: Uncertain significance for Dyskeratosis congenita, autosomal recessive 6; Pulmonary fibrosis and/or bone marrow failure, Telomere-related, 4. Last evaluated: 2025-11-06. Review status: criteria provided, single submitter. Criteria: Invitae Variant Classification Sherloc (09022015). Collection method: clinical testing. Allele origin: germline.
Comment: This sequence change replaces threonine, which is neutral and polar, with alanine, which is neutral and non-polar, at codon 331 of the PARN protein (p.Thr331Ala). This variant is present in population databases (rs772057743, gnomAD 0.08%). This variant has not been reported in the literature in individuals affected with PARN-related conditions. ClinVar contains an entry for this variant (Variation ID: 2065874). Invitae Evidence Modeling of protein sequence and biophysical properties (such as structural, functional, and spatial information, amino acid conservation, physicochemical variation, residue mobility, and thermodynamic stability) indicates that this missense variant is not expected to disrupt PARN protein function with a negative predictive value of 80%. In summary, the available evidence is currently insufficient to determine the role of this variant in disease. Therefore, it has been classified as a Variant of Uncertain Significance.

Ambry Genetics
Classification: Uncertain significance for Inborn genetic diseases. Last evaluated: 2024-10-29. Review status: criteria provided, single submitter. Criteria: Ambry Variant Classification Scheme 2023. Collection method: clinical testing. Allele origin: germline.